The following is an entry in ClinVar:

ClinVar aggregate classification (germline): Affects (0 of 4 stars; one submission).

Conditions:
ABO blood group system. Also called: ABO BLOOD GROUP SYSTEM, O PHENOTYPE; ABO BLOOD GROUP SYSTEM, A/B POLYMORPHISM; ABO BLOOD GROUP SYSTEM, A2 PHENOTYPE; ABO BLOOD GROUP SYSTEM, CIS-AB PHENOTYPE; ABO BLOOD GROUP SYSTEM, B(A) PHENOTYPE. Identifiers: MedGen C0000778, OMIM 616093, HP:0032224.

Submission:

Blood Transfusion Service Zurich, Swiss Red Cross
Classification: Affects for ABO blood group system. Last evaluated: 2022-03-01. Review status: no assertion criteria provided. Collection method: clinical testing. Allele origin: somatic. Inheritance: Codominant. Affected: yes.
Comment: This variant in the splice site region of the ABO gene was found at a subclonal level and is of somatic origin. It results in an early STOP codon and non-functional ABO allele and affects ABO blood group expression.

Literature cited by the submitters: PubMed 38973155.

NM_020469.3(ABO):c.374+1_374+3dup

Gene: ABO (ABO, alpha 1-3-N-acetylgalactosaminyltransferase and alpha 1-3-galactosyltransferase; minus strand). Cytogenetic location: 9q34.2.
Variant type: Duplication.
Coding change: c.374+1_374+3dup on transcript NM_020469.3; the canonical splice donor site of the intron after coding-DNA position 374 through 3 bases into the intron after coding-DNA position 374, 3 bases duplicated (GTA; older notation c.374+1_374+3dupGTA).
Genome position (GRCh38, 1-based): chr9:133,257,406-133,257,408, TAC duplicated on the plus strand (GTA on the coding strand, the reverse complement: ABO is on the minus strand); duplicating any 3 consecutive bases within chr9:133,257,406-133,257,409 gives the same sequence; the c. name uses the placement nearest the transcript's 3' end. VCF-style (leftmost placement, unchanged base first): chr9-133257405-T-TTAC. GRCh37 (hg19) VCF-style: chr9-136132792-T-TTAC.
Identifiers: ClinVar variation 5021113 (VCV005021113.1).